The following is an entry in ClinVar:

ClinVar aggregate classification (germline): Uncertain significance (1 of 4 stars; one submission).

Conditions:
Progressive myoclonic epilepsy type 3. Also called: EPILEPSY, PROGRESSIVE MYOCLONIC, 3, WITH OR WITHOUT INTRACELLULAR INCLUSIONS; CEROID LIPOFUSCINOSIS, NEURONAL, 14; KCTD7-Related Progressive Myoclonic Epilepsy; EPILEPSY, PROGRESSIVE MYOCLONIC, 3, WITHOUT INTRACELLULAR INCLUSIONS. Identifiers: Orphanet 263516, MedGen C2673257, MONDO:0012721, OMIM 611726.

gnomAD v4.1: 10 of 1,613,880 alleles (0.00062%); highest among the groups gnomAD compares: Non-Finnish European, 0.00085%; no homozygotes.

Submission:

Labcorp Genetics (formerly Invitae), Labcorp
Classification: Uncertain significance for Progressive myoclonic epilepsy type 3. Last evaluated: 2022-07-09. Review status: criteria provided, single submitter. Criteria: Invitae Variant Classification Sherloc (09022015). Collection method: clinical testing. Allele origin: germline.
Comment: In summary, the available evidence is currently insufficient to determine the role of this variant in disease. Therefore, it has been classified as a Variant of Uncertain Significance. Algorithms developed to predict the effect of missense changes on protein structure and function (SIFT, PolyPhen-2, Align-GVGD) all suggest that this variant is likely to be tolerated. This variant has not been reported in the literature in individuals affected with KCTD7-related conditions. This variant is not present in population databases (gnomAD no frequency). This sequence change replaces isoleucine, which is neutral and non-polar, with valine, which is neutral and non-polar, at codon 57 of the KCTD7 protein (p.Ile57Val).

NM_153033.5(KCTD7):c.169A>G (p.Ile57Val)

Gene: KCTD7 (potassium channel tetramerization domain containing 7; plus strand). Cytogenetic location: 7q11.21.
Variant type: single nucleotide variant.
Coding change: c.169A>G on transcript NM_153033.5 (MANE Select); coding-DNA position 169, A replaced by G.
Protein change: p.Ile57Val; replaces isoleucine 57 with valine.
Molecular consequence: missense variant.
Genome position (GRCh38, 1-based): chr7:66,633,299, A>G. VCF-style: chr7-66633299-A-G. GRCh37 (hg19) VCF-style: chr7-66098286-A-G.
Other names: c.169A>G, p.Ile57Val (NM_001167961.2); short protein forms I57V.
Identifiers: ClinVar variation 2153202 (VCV002153202.3), dbSNP rs1786497147, ClinGen allele CA367695484.